The following is an entry in ClinVar:

ClinVar aggregate classification (germline): Uncertain significance. Review status: criteria provided, single submitter (1 of 4 stars). 3 submissions from 3 submitters: Uncertain significance (1). 2 of the submissions do not count toward it. Last evaluated 2026-02-05.

Submissions (3):

GeneDx
Classification: Uncertain significance. Last evaluated: 2026-02-05. Review status: criteria provided, single submitter. Criteria: GeneDx Variant Classification Process June 2021. Collection method: clinical testing. Allele origin: germline. Affected: yes.
Comment: In silico analysis supports that this missense variant has a deleterious effect on protein structure/function; Not observed at significant frequency in large population cohorts (gnomAD); Has not been previously published as pathogenic or benign to our knowledge

Genome Diagnostics Laboratory, Amsterdam University Medical Center
Classification: Uncertain significance. Review status: no assertion criteria provided. Collection method: clinical testing. Allele origin: germline. Affected: yes. Study: VKGL Data-share Consensus. Not counted in ClinVar's aggregate classification.

Joint Genome Diagnostic Labs from Nijmegen and Maastricht, Radboudumc and MUMC+
Classification: Uncertain significance. Review status: no assertion criteria provided. Collection method: clinical testing. Allele origin: germline. Affected: yes. Study: VKGL Data-share Consensus. Not counted in ClinVar's aggregate classification.

NM_001110556.2(FLNA):c.5152G>A (p.Gly1718Ser)

Gene: FLNA (filamin A; minus strand). Cytogenetic location: Xq28.
Variant type: single nucleotide variant.
Coding change: c.5152G>A on transcript NM_001110556.2 (MANE Select); coding-DNA position 5152, G replaced by A.
Protein change: p.Gly1718Ser; replaces glycine 1718 with serine.
Molecular consequence: missense variant.
Genome position (GRCh38, 1-based): chrX:154,354,890, C>T on the plus strand (G>A on the coding strand, the complement: FLNA is on the minus strand). VCF-style: chrX-154354890-C-T. GRCh37 (hg19) VCF-style: chrX-153583258-C-T.
Other names: c.5128G>A, p.Gly1710Ser (NM_001456.4); c.5128G>A (NM_001456.3); short protein forms G1710S, G1718S.
Identifiers: ClinVar variation 1209990 (VCV001209990.5), dbSNP rs2148107431, ClinGen allele CA415207538.
Genomic context (GRCh38, chrX:154,354,890, plus strand): 5'-CTTGGAAGGGGCTGTTGGGCACGTGCTCGCCACCAAAGCGCACACAGATGACGTATTTGC[C>T]CGGCTGGGGGGCCGTGTAGAAGATGTCGAAAGTGCCGTCCTCATTCTCCACCACGTCCAC-3'
Protein context (NP_001104026.1, residues 1708-1728): FDIFYTAPQP[Gly1718Ser]KYVICVRFGG